The following is an entry in ClinVar:

ClinVar aggregate classification (germline): Uncertain significance (1 of 4 stars; one submission).

Conditions:
Familial dysautonomia. Also called: FD; HSAN III. Identifiers: Orphanet 1764, MedGen C0013364, MONDO:0009131, OMIM 223900. Disease mechanism: loss of function.

Submission:

Myriad Genetics, Inc.
Classification: Uncertain significance for Familial dysautonomia. Last evaluated: 2026-07-02. Review status: criteria provided, single submitter. Criteria: Myriad Autosomal Dominant, Autosomal Recessive and X-Linked Classification Criteria (2023). Collection method: clinical testing. Allele origin: unknown.
Comment: NM_003640.3(ELP1):c.1734_1736delATT(F579del) is an in-frame deletion classified as a variant of uncertain significance in the context of familial dysautonomia. F579del has not been observed in cases with relevant disease. Relevant functional assessments of this variant are not available in the literature. F579del has not been observed in referenced population frequency databases. In summary, there is insufficient evidence to classify NM_003640.3(ELP1):c.1734_1736delATT(F579del) as pathogenic or benign. Please note: this variant was assessed in the context of healthy population screening.

NM_003640.5(ELP1):c.1734_1736del (p.Phe579del)

Gene: ELP1 (elongator acetyltransferase complex subunit 1; minus strand). Cytogenetic location: 9q31.3.
Variant type: Deletion.
Coding change: c.1734_1736del on transcript NM_003640.5 (MANE Select); coding-DNA positions 1734 to 1736, 3 bases deleted (ATT; older notation c.1734_1736delATT).
Protein change: p.Phe579del; deletes phenylalanine 579.
Molecular consequence: inframe deletion.
Genome position (GRCh38, 1-based): chr9:108,903,577-108,903,579, AAT deleted on the plus strand (ATT on the coding strand, the reverse complement: ELP1 is on the minus strand); deleting any 3 consecutive bases within chr9:108,903,577-108,903,580 gives the same sequence; the c. name uses the placement nearest the transcript's 3' end. VCF-style (leftmost placement, unchanged base first): chr9-108903576-AAAT-A. GRCh37 (hg19) VCF-style: chr9-111665856-AAAT-A.
Other names: c.1392_1394del, p.Phe465del (NM_001318360.2); c.687_689del, p.Phe230del (NM_001330749.2); short protein forms F230del, F465del, F579del.
Identifiers: ClinVar variation 5004767 (VCV005004767.1).